The following is an entry in ClinVar:

ClinVar aggregate classification (germline): Conflicting classifications of pathogenicity. Review status: criteria provided, conflicting classifications (1 of 4 stars). 11 submissions from 11 submitters: Uncertain significance (9); Likely benign (1). 1 of the submissions does not count toward it. Last evaluated 2026-05-05.

Conditions:
Cardiac arrhythmia. Also called: Cardiac rhythm disease; Arrhythmia. Identifiers: MedGen C0003811, MONDO:0007263, HP:0011675.
Cardiovascular phenotype. Identifiers: MedGen CN230736.
Long QT syndrome 2 (LQT2). Identifiers: Orphanet 101016, Orphanet 768, MedGen C3150943, MONDO:0013367, OMIM 613688.
Short QT syndrome type 1. Identifiers: Orphanet 51083, MedGen C1865020, MONDO:0012312, OMIM 609620.
Long QT syndrome (LQTS). Identifiers: MedGen C0023976, MeSH D008133, MONDO:0002442. Disease mechanism: loss of function. Inheritance: Various modes of inheritance.
Wolff-Parkinson-White pattern. Also called: Auriculoventricular accessory pathway syndrome; False bundle branch block syndrome; Anomalous ventricular excitation syndrome; WPW SYNDROME. Identifiers: MedGen C0043202, MONDO:0008685, OMIM 194200, HP:0001716.

Allele frequency attached by ClinVar (database versions not stated): TOPMed 0.00002; 1000 Genomes Project 0.00020; 1000 Genomes Project 30x 0.00031.
gnomAD v4.1: 42 of 1,614,144 alleles (0.0026%); highest among the groups gnomAD compares: Middle Eastern, 0.033%; no homozygotes.

Submissions (11):

Ambry Genetics
Classification: Uncertain significance for Cardiovascular phenotype. Last evaluated: 2026-05-05. Review status: criteria provided, single submitter. Criteria: Ambry Variant Classification Scheme 2023. Collection method: clinical testing. Allele origin: germline.
Comment: The p.V409M variant (also known as c.1225G>A), located in coding exon 6 of the KCNH2 gene, results from a G to A substitution at nucleotide position 1225. The valine at codon 409 is replaced by methionine, an amino acid with highly similar properties. This amino acid position is highly conserved in available vertebrate species. In addition, this alteration is predicted to be deleterious by in silico analysis. Based on data from gnomAD, the frequency for this variant is above the maximum credible frequency for a disease-causing variant in this gene based on internally established thresholds (Karczewski et al. Nature. 2020 May;581(7809):434-443; Whiffin et al. Genet Med. 2017 10;19:1151-1158). Based on the available evidence, the clinical significance of this variant remains unclear.

Women's Health and Genetics/Laboratory Corporation of America, LabCorp
Classification: Uncertain significance. Last evaluated: 2026-04-07. Review status: criteria provided, single submitter. Criteria: LabCorp Variant Classification Summary - May 2015. Collection method: clinical testing. Allele origin: germline.
Comment: Variant summary: KCNH2 c.1225G>A (p.Val409Met) results in a conservative amino acid change in the encoded protein sequence. Algorithms developed to predict the effect of missense changes on protein structure and function are either unavailable or do not agree on the potential impact of this missense change. The variant allele was found at a frequency of 6.4e-05 in 251470 control chromosomes. This frequency is not significantly higher than estimated for disease-causing variants in KCNH2, allowing no conclusion about variant significance. c.1225G>A has been observed in individual(s) affected with KCNH2-related conditions (e.g. Coban-Akdemir_2020, Kotta_2023, Li_2020). These report(s) do not provide unequivocal conclusions about association of the variant with Arrhythmia. To our knowledge, no experimental evidence demonstrating an impact on protein function has been reported. The following publications have been ascertained in the context of this evaluation (PMID: 32233023, 37589201, 31696929). ClinVar contains an entry for this variant (Variation ID: 456884). Based on the evidence outlined above, the variant was classified as uncertain significance.

Molecular Diagnostic Laboratory for Inherited Cardiovascular Disease, Montreal Heart Institute
Classification: Uncertain significance for Cardiovascular phenotype. Last evaluated: 2026-03-27. Review status: criteria provided, single submitter. Criteria: ACMG Guidelines, 2015. Collection method: clinical testing. Allele origin: germline. Affected: yes.
Comment: PM1_strong, PP2, PP3, BS1

Labcorp Genetics (formerly Invitae), Labcorp
Classification: Uncertain significance for Long QT syndrome. Last evaluated: 2026-01-13. Review status: criteria provided, single submitter. Criteria: Invitae Variant Classification Sherloc (09022015). Collection method: clinical testing. Allele origin: germline.
Comment: This sequence change replaces valine, which is neutral and non-polar, with methionine, which is neutral and non-polar, at codon 409 of the KCNH2 protein (p.Val409Met). This variant is present in population databases (rs539146547, gnomAD 0.03%), and has an allele count higher than expected for a pathogenic variant. This missense change has been observed in individual(s) with KCNH2-related conditions (PMID: 31696929, 32233023, 37589201). ClinVar contains an entry for this variant (Variation ID: 456884). An algorithm developed to predict the effect of missense changes on protein structure and function (PolyPhen-2) suggests that this variant is likely to be disruptive. In summary, the available evidence is currently insufficient to determine the role of this variant in disease. Therefore, it has been classified as a Variant of Uncertain Significance.

All of Us Research Program, National Institutes of Health
Classification: Uncertain significance for Long QT syndrome. Last evaluated: 2024-09-27. Review status: criteria provided, single submitter. Criteria: ACMG Guidelines, 2015. Collection method: clinical testing. Allele origin: germline. Inheritance: Autosomal dominant inheritance. Observed: 12 variant alleles, 12 heterozygotes.
Comment: This missense variant replaces valine with methionine at codon 409 of the KCNH2 protein. Computational prediction tools indicate that this variant has a deleterious impact on protein structure and function. This variant is found within a highly conserved pore region (a.a. 404-659). Rare non-truncating variants in this region have been shown to be significantly overrepresented in individuals with long QT syndrome (PMID: 32893267). To our knowledge, functional studies have not been reported for this variant. This variant has been reported in an individual affected with epilepsy (PMID: 31696929) and in an individual affected with sudden infant death (PMID: 37589201). This variant has been identified in 16/251470 chromosomes in the general population by the Genome Aggregation Database (gnomAD). The available evidence is insufficient to determine the role of this variant in disease conclusively. Therefore, this variant is classified as a Variant of Uncertain Significance.

This study involves interpretation of variants in research participants for the purpose of population health screening. Participant phenotype was not available at the time of variant classification. Additional details can be found in publication PMID: 35346344, PMCID: PMC8962531

GeneDx
Classification: Uncertain significance. Last evaluated: 2024-02-08. Review status: criteria provided, single submitter. Criteria: GeneDx Variant Classification Process June 2021. Collection method: clinical testing. Allele origin: germline. Affected: yes.
Comment: Identified in association with epilepsy, sudden infant death syndrome (SIDS), and Wolff-Parkinson-White (WPW) syndrome (PMID: 31696929, 37589201, 32233023); also reported as p.(V69M) due to alternate nomenclature; In silico analysis supports that this missense variant has a deleterious effect on protein structure/function; This variant is associated with the following publications: (PMID: 32233023, 31696929, 37589201)

Color Diagnostics, LLC DBA Color Health
Classification: Uncertain significance for Cardiac arrhythmia. Last evaluated: 2024-01-03. Review status: criteria provided, single submitter. Criteria: ACMG Guidelines, 2015. Collection method: clinical testing. Allele origin: germline.
Comment: This missense variant replaces valine with methionine at codon 409 of the KCNH2 protein. Computational prediction tools indicate that this variant has a deleterious impact on protein structure and function. This variant is found within a highly conserved pore region (a.a. 404-659). Rare non-truncating variants in this region have been shown to be significantly overrepresented in individuals with long QT syndrome (PMID: 32893267). To our knowledge, functional studies have not been reported for this variant. This variant has been reported in an individual affected with epilepsy (PMID: 31696929) and in an individual affected with sudden infant death (PMID: 37589201). This variant has been identified in 16/251470 chromosomes in the general population by the Genome Aggregation Database (gnomAD). The available evidence is insufficient to determine the role of this variant in disease conclusively. Therefore, this variant is classified as a Variant of Uncertain Significance.

Blueprint Genetics
Classification: Likely benign. Last evaluated: 2023-03-24. Review status: criteria provided, single submitter. Criteria: ACMG Guidelines, 2015. Collection method: clinical testing. Allele origin: germline.

Victorian Clinical Genetics Services, Murdoch Childrens Research Institute
Classification: Uncertain significance for Long QT syndrome 2. Last evaluated: 2022-06-24. Review status: criteria provided, single submitter. Criteria: ACMG Guidelines, 2015. Collection method: clinical testing. Allele origin: germline. Inheritance: Autosomal dominant inheritance. Affected: yes.
Comment: Based on the classification scheme VCGS_Germline_v1.3.4, this variant is classified as VUS-3B. Following criteria are met: 0103 - Dominant negative and loss of function are known mechanisms of disease in this gene and are associated with long QT syndrome 2 (MIM#613688). Gain of function is also a known mechanism associated with short QT syndrome 1 (MIM#609620) (OMIM, PMID: 10753933; PMID: 21777565). (I) 0107 - This gene is associated with autosomal dominant disease. (I) 0112 - The condition associated with this gene has incomplete penetrance (PMID: 20301308). (I) 0200 - Variant is predicted to result in a missense amino acid change from valine to methionine. (I) 0251 - This variant is heterozygous. (I) 0302 - Variant is present in gnomAD (v2) <0.001 for a dominant condition (16 heterozygotes, 0 homozygotes). (SP) 0309 - An alternative amino acid change at the same position has been observed in gnomAD (v2) (1 heterozygote, 0 homozygotes). (I) 0501 - Missense variant consistently predicted to be damaging by multiple in silico tools or highly conserved with a major amino acid change. (SP) 0601 - Variant is located in the well-established functional S1 transmembrane domain. The S1 transmembrane domain has been shown to play a role in regulating channel activation and deactivation (PMID: 28280240). (SP) 0710 - Other missense variants comparable to the one identified in this case have inconclusive previous evidence for pathogenicity. Alternative missense changes to glutamic acid and leucine have been described as variants of unknown significance in ClinVar and the literature, respectively (PMID: 32383558). (I) 0809 - Previous evidence of pathogenicity for this variant is inconclusive. This variant is present in ClinVar as a VUS. It has also been reported as a VUS in the literature in a patient with epilepsy and in a patient with Wolff-Parkinson-White syndrome (PMID: 31696929, 32233023). (I) 0905 - No published segregation evidence has been identified for this variant. (I) 1007 - No published functional evidence has been identified for this variant. (I) 1208 - Inheritance information for this variant is not currently available in this individual. (I) Legend: (SP) - Supporting pathogenic, (I) - Information, (SB) - Supporting benign

Fulgent Genetics
Classification: Uncertain significance for Short QT syndrome type 1; Long QT syndrome 2. Last evaluated: 2021-08-02. Review status: criteria provided, single submitter. Criteria: ACMG Guidelines, 2015. Collection method: clinical testing. Allele origin: unknown.

Lupski Lab, Baylor-Hopkins CMG, Baylor College of Medicine
Classification: Uncertain significance for Wolff-Parkinson-White pattern. Last evaluated: 2017-07-14. Review status: no assertion criteria provided. Collection method: research. Allele origin: unknown. Affected: yes. Observed: 1 variant allele. Study: Candidate_variants_in_patients_with_ Wolff-Parkinson-White Syndrome. Not counted in ClinVar's aggregate classification.

Literature cited by the submitters: PubMed 31696929 (cited by 5 submitters); PubMed 32233023 (cited by 3 submitters); PubMed 37589201 (cited by 4 submitters); PubMed 32893267 (cited by All of Us Research Program, National Institutes of Health and Color Diagnostics, LLC DBA Color Health); PubMed 10753933 (cited by Victorian Clinical Genetics Services, Murdoch Childrens Research Institute); PubMed 20301308 (cited by Victorian Clinical Genetics Services, Murdoch Childrens Research Institute); PubMed 21777565 (cited by Victorian Clinical Genetics Services, Murdoch Childrens Research Institute); PubMed 28280240 (cited by Victorian Clinical Genetics Services, Murdoch Childrens Research Institute); PubMed 32383558 (cited by Victorian Clinical Genetics Services, Murdoch Childrens Research Institute).

NM_000238.4(KCNH2):c.1225G>A (p.Val409Met)

Gene: KCNH2 (potassium voltage-gated channel subfamily H member 2; minus strand). Cytogenetic location: 7q36.1.
Variant type: single nucleotide variant.
Coding change: c.1225G>A on transcript NM_000238.4 (MANE Select); coding-DNA position 1225, G replaced by A.
Protein change: p.Val409Met; replaces valine 409 with methionine.
Molecular consequence: missense variant.
Genome position (GRCh38, 1-based): chr7:150,952,757, C>T on the plus strand (G>A on the coding strand, the complement: KCNH2 is on the minus strand). VCF-style: chr7-150952757-C-T. GRCh37 (hg19) VCF-style: chr7-150649845-C-T.
Other names: c.205G>A, p.Val69Met (NM_001204798.2, NM_172057.3); c.937G>A, p.Val313Met (NM_001406753.1, NM_001406756.1); c.1048G>A, p.Val350Met (NM_001406755.1); c.925G>A, p.Val309Met (NM_001406757.1); c.1225G>A, p.Val409Met (NM_172056.3); c.1225G>A (NM_000238.2); short protein forms V69M, V409M, V313M, V350M, V309M.
Identifiers: ClinVar variation 456884 (VCV000456884.26), dbSNP rs539146547, ClinGen allele CA027389.